The following is an entry in ClinVar:

ClinVar aggregate classification (germline): Pathogenic/Likely pathogenic. Review status: criteria provided, multiple submitters, no conflicts (2 of 4 stars). 2 submissions from 2 submitters: Pathogenic (1); Likely pathogenic (1). Last evaluated 2026-06-23.

Conditions:
Retinitis pigmentosa 28 (RP28). Identifiers: Orphanet 791, MedGen C1419614, MONDO:0011630, OMIM 606068.

Submissions (2):

Myriad Genetics, Inc.
Classification: Likely pathogenic for Retinitis pigmentosa 28. Last evaluated: 2026-06-23. Review status: criteria provided, single submitter. Criteria: Myriad Autosomal Dominant, Autosomal Recessive and X-Linked Classification Criteria (2023). Collection method: clinical testing. Allele origin: unknown.
Comment: NM_001201543.1(FAM161A):c.184-2A>G is a variant in a canonical splice site classified as likely pathogenic in the context of retinitis pigmentosa, FAM161A-related. c.184-2A>G has been observed in a case with relevant disease (PMID: 36964972). Relevant functional assessments of this variant are not available in the literature. c.184-2A>G has not been observed in referenced population frequency databases. In summary, NM_001201543.1(FAM161A):c.184-2A>G is a variant in a canonical splice site in a gene where loss of function is a known mechanism of disease, is predicted to disrupt protein function, and has been observed more frequently in cases with the relevant disease than in healthy populations. Please note: this variant was assessed in the context of healthy population screening.

Natera, Inc.
Classification: Pathogenic for Retinitis pigmentosa type 28. Last evaluated: 2024-04-30. Review status: criteria provided, single submitter. Criteria: Natera Variant Classification Schema (03/2026). Collection method: clinical testing. Allele origin: germline.
Comment: The c.184-2A>G variant in FAM161A is a canonical splice acceptor site variant predicted to affect pre-mRNA splicing, which may result in an abnormal transcript and altered protein product. This variant is expected to result in nonsense mediated decay, truncation, or a dysfunctional protein product. This variant is rare in the general population with a frequency below the threshold expected for the associated phenotype(s). This variant has been observed in one or more individuals affected with the associated recessive disease, as either homozygous or compound heterozygous with a second variant (PMID: 36964972). Given the available evidence, this variant is classified as Pathogenic.

Literature cited by the submitters: PubMed 36964972 (cited by Myriad Genetics, Inc. and Natera, Inc.).

NM_001201543.2(FAM161A):c.184-2A>G

Gene: FAM161A (FAM161 centrosomal protein A; minus strand). Cytogenetic location: 2p15.
Variant type: single nucleotide variant.
Coding change: c.184-2A>G on transcript NM_001201543.2 (MANE Select); the canonical splice acceptor site of the intron before coding-DNA position 184, A replaced by G.
Molecular consequence: splice acceptor variant.
Genome position (GRCh38, 1-based): chr2:61,842,362, T>C on the plus strand (A>G on the coding strand, the complement: FAM161A is on the minus strand). VCF-style: chr2-61842362-T-C. GRCh37 (hg19) VCF-style: chr2-62069497-T-C.
Other names: c.184-2A>G (NM_032180.3).
Identifiers: ClinVar variation 4814690 (VCV004814690.2).